The following is an entry in ClinVar:

ClinVar aggregate classification (germline): Pathogenic (1 of 4 stars; one submission).

Conditions:
Ehlers-Danlos syndrome, classic type, 1 (EDSCL1). Also called: EHLERS-DANLOS SYNDROME, GRAVIS TYPE; EHLERS-DANLOS SYNDROME, SEVERE CLASSIC TYPE; EDS I; Ehlers-Danlos Syndrome, Classic Type, COL5A1-Related; Ehlers-Danlos syndrome, type 1. Identifiers: MedGen C0268335, MONDO:0019567, OMIM 130000.

Submission:

Labcorp Genetics (formerly Invitae), Labcorp
Classification: Pathogenic for Ehlers-Danlos syndrome, classic type, 1. Last evaluated: 2018-03-21. Review status: criteria provided, single submitter. Criteria: Invitae Variant Classification Sherloc (09022015). Collection method: clinical testing. Allele origin: germline.
Comment: This variant is a gross deletion of the genomic region encompassing exons 15-17 and the first 48 nucleotides of exon 18 of the COL5A1 gene, including the intron 17-exon 18 boundary (c.1720-136_1929delinsACA). This is expected to create a premature translational stop signal and result in an absent or disrupted protein product. This variant has not been reported in the literature in individuals with COL5A1-related disease. Loss-of-function variants in COL5A1 are known to be pathogenic (PMID: 23587214). For these reasons, this variant has been classified as Pathogenic.

Literature cited by the submitters: PubMed 23587214.

NC_000009.11:g.(?_137645560)_137650136del

Gene: COL5A1 (collagen type V alpha 1 chain; plus strand).
Variant type: Deletion.
Identifiers: ClinVar variation 1076744 (VCV001076744.3).